The following is an entry in ClinVar:

ClinVar aggregate classification (germline): Likely benign (1 of 4 stars; one submission).

gnomAD v4.1: 547 of 1,613,648 alleles (0.034%); highest among the groups gnomAD compares: Middle Eastern, 0.05%; 1 homozygote.

Submission:

CeGaT Center for Human Genetics Tuebingen
Classification: Likely benign. Last evaluated: 2026-04-01. Review status: criteria provided, single submitter. Criteria: CeGaT Center For Human Genetics Tuebingen Variant Classification Criteria Version 2. Collection method: clinical testing. Allele origin: germline. Affected: yes. Observed: 1 variant allele.
Comment: TRIM50: BP4, BP7

NM_178125.3(TRIM50):c.699C>A (p.Gly233=)

Gene: TRIM50 (tripartite motif containing 50; minus strand). Cytogenetic location: 7q11.23.
Variant type: single nucleotide variant.
Coding change: c.699C>A on transcript NM_178125.3 (MANE Select); coding-DNA position 699, C replaced by A.
Protein change: p.Gly233=; no amino-acid change (glycine 233 retained).
Molecular consequence: synonymous variant.
Genome position (GRCh38, 1-based): chr7:73,318,849, G>T on the plus strand (C>A on the coding strand, the complement: TRIM50 is on the minus strand). VCF-style: chr7-73318849-G-T. GRCh37 (hg19) VCF-style: chr7-72732848-G-T.
Other names: c.699C>A, p.Gly233= (NM_001281450.1, NM_001281451.1).
Identifiers: ClinVar variation 4872638 (VCV004872638.2).